The following is an entry in ClinVar:

ClinVar aggregate classification (germline): Uncertain significance (1 of 4 stars; one submission).

Submission:

Labcorp Genetics (formerly Invitae), Labcorp
Classification: Uncertain significance. Last evaluated: 2022-10-25. Review status: criteria provided, single submitter. Criteria: Invitae Variant Classification Sherloc (09022015). Collection method: clinical testing. Allele origin: germline.
Comment: This sequence change replaces arginine, which is basic and polar, with serine, which is neutral and polar, at codon 128 of the PCLO protein (p.Arg128Ser). This variant is not present in population databases (gnomAD no frequency). This variant has not been reported in the literature in individuals affected with PCLO-related conditions. ClinVar contains an entry for this variant (Variation ID: 1375002). Algorithms developed to predict the effect of missense changes on protein structure and function are either unavailable or do not agree on the potential impact of this missense change (SIFT: "Deleterious"; PolyPhen-2: "Not Available"; Align-GVGD: "Class C0"). In summary, the available evidence is currently insufficient to determine the role of this variant in disease. Therefore, it has been classified as a Variant of Uncertain Significance.

NM_033026.6(PCLO):c.384G>T (p.Arg128Ser)

Gene: PCLO (piccolo presynaptic cytomatrix protein; minus strand). Cytogenetic location: 7q21.11.
Variant type: single nucleotide variant.
Coding change: c.384G>T on transcript NM_033026.6 (MANE Select); coding-DNA position 384, G replaced by T.
Protein change: p.Arg128Ser; replaces arginine 128 with serine.
Molecular consequence: missense variant.
Genome position (GRCh38, 1-based): chr7:83,156,257, C>A on the plus strand (G>T on the coding strand, the complement: PCLO is on the minus strand). VCF-style: chr7-83156257-C-A. GRCh37 (hg19) VCF-style: chr7-82785573-C-A.
Other names: c.384G>T, p.Arg128Ser (NM_014510.3); short protein forms R128S.
Identifiers: ClinVar variation 1375002 (VCV001375002.6), dbSNP rs2116693848, ClinGen allele CA367921354.